The following is an entry in ClinVar:

NM_052872.4(IL17F):c.404A>G (p.Gln135Arg)

Gene: IL17F (interleukin 17F; minus strand). Cytogenetic location: 6p12.2.
Variant type: single nucleotide variant.
Coding change: c.404A>G on transcript NM_052872.4 (MANE Select); coding-DNA position 404, A replaced by G.
Protein change: p.Gln135Arg; replaces glutamine 135 with arginine.
Molecular consequence: missense variant.
Genome position (GRCh38, 1-based): chr6:52,237,019, T>C on the plus strand (A>G on the coding strand, the complement: IL17F is on the minus strand). VCF-style: chr6-52237019-T-C. GRCh37 (hg19) VCF-style: chr6-52101817-T-C.
Other names: short protein forms Q135R.
Identifiers: ClinVar variation 2821176 (VCV002821176.3), dbSNP rs2532687050, ClinGen allele CA364444424.
Genomic context (GRCh38, chr6:52,237,019, plus strand): 5'-ACGCAGGTGCAGCCAACAGTCACCAGCACCTTCTCCAACTGGAAAGAAACAGAGCAGCCT[T>C]GGTGCTTCCTCCGGACGACCAGGGTCTCTTGCTGGATGGGAACGGAATTCATGGAGATGT-3'
Protein context (NP_443104.1, residues 125-145): QETLVVRRKH[Gln135Arg]GCSVSFQLEK

ClinVar aggregate classification (germline): Uncertain significance (1 of 4 stars; one submission).

Conditions:
Candidiasis, familial, 6 (CANDF6). Also called: Candidiasis, familial, 6, autosomal dominant. Identifiers: Orphanet 1334, MedGen C3151405, MONDO:0013503, OMIM 613956.

Submission:

Labcorp Genetics (formerly Invitae), Labcorp
Classification: Uncertain significance for Candidiasis, familial, 6. Last evaluated: 2023-03-20. Review status: criteria provided, single submitter. Criteria: Invitae Variant Classification Sherloc (09022015). Collection method: clinical testing. Allele origin: germline.
Comment: Algorithms developed to predict the effect of missense changes on protein structure and function output the following: SIFT: "Not Available"; PolyPhen-2: "Benign"; Align-GVGD: "Not Available". The arginine amino acid residue is found in multiple mammalian species, which suggests that this missense change does not adversely affect protein function. This variant has not been reported in the literature in individuals affected with IL17F-related conditions. This variant is not present in population databases (gnomAD no frequency). This sequence change replaces glutamine, which is neutral and polar, with arginine, which is basic and polar, at codon 135 of the IL17F protein (p.Gln135Arg). In summary, the available evidence is currently insufficient to determine the role of this variant in disease. Therefore, it has been classified as a Variant of Uncertain Significance.